The following is an entry in ClinVar:

ClinVar aggregate classification (germline): Conflicting classifications of pathogenicity. Review status: criteria provided, conflicting classifications (1 of 4 stars). 2 submissions from 2 submitters: Uncertain significance (1); Likely benign (1). Last evaluated 2022-10-17.

Conditions:
Cardiovascular phenotype. Identifiers: MedGen CN230736.

Allele frequency attached by ClinVar (database versions not stated): gnomAD 0.00001.
gnomAD v4.1: 1 of 1,613,898 alleles (0.000062%); highest among the groups gnomAD compares: African/African-American, 0.0013%; no homozygotes.

Submissions (2):

Ambry Genetics
Classification: Likely benign for Cardiovascular phenotype. Last evaluated: 2022-10-17. Review status: criteria provided, single submitter. Criteria: Ambry Variant Classification Scheme 2023. Collection method: clinical testing. Allele origin: germline.

GeneDx
Classification: Uncertain significance. Last evaluated: 2022-02-14. Review status: criteria provided, single submitter. Criteria: GeneDx Variant Classification Process June 2021. Collection method: clinical testing. Allele origin: germline. Affected: yes.
Comment: Not observed at significant frequency in large population cohorts (gnomAD); In silico analysis supports that this variant does not alter splicing; Has not been previously published as pathogenic or benign to our knowledge

NM_002755.4(MAP2K1):c.984A>C (p.Gly328=)

Gene: MAP2K1 (mitogen-activated protein kinase kinase 1; plus strand). Cytogenetic location: 15q22.31.
Variant type: single nucleotide variant.
Coding change: c.984A>C on transcript NM_002755.4 (MANE Select); coding-DNA position 984, A replaced by C.
Protein change: p.Gly328=; no amino-acid change (glycine 328 retained).
Molecular consequence: synonymous variant.
Genome position (GRCh38, 1-based): chr15:66,489,238, A>C. VCF-style: chr15-66489238-A-C. GRCh37 (hg19) VCF-style: chr15-66781576-A-C.
Identifiers: ClinVar variation 393145 (VCV000393145.6), dbSNP rs773755873, ClinGen allele CA16607841.